The following is an entry in ClinVar:

NM_052876.4(NACC1):c.1120+8G>A

Gene: NACC1 (nucleus accumbens associated 1; plus strand). Cytogenetic location: 19p13.13.
Variant type: single nucleotide variant.
Coding change: c.1120+8G>A on transcript NM_052876.4 (MANE Select); 8 bases into the intron after coding-DNA position 1120, G replaced by A.
Molecular consequence: intron variant.
Genome position (GRCh38, 1-based): chr19:13,136,413, G>A. VCF-style: chr19-13136413-G-A. GRCh37 (hg19) VCF-style: chr19-13247227-G-A.
Other names: c.1120+8G>A (NM_052876.3).
Identifiers: ClinVar variation 1896398 (VCV001896398.8), dbSNP rs376210687, ClinGen allele CA9238408.

ClinVar aggregate classification (germline): Likely benign. Review status: criteria provided, multiple submitters, no conflicts (2 of 4 stars). 3 submissions from 3 submitters: Likely benign (2). 1 of the submissions does not count toward it. Last evaluated 2025-07-27.

Conditions:
NACC1-related disorder. Also called: NACC1-related condition.

Allele frequency attached by ClinVar (database versions not stated): TOPMed 0.00003; gnomAD 0.00006; ExAC 0.00007; ESP Exome Variant Server 0.00008; gnomAD exomes 0.00010; 1000 Genomes Project 30x 0.00031; 1000 Genomes Project 0.00040.
gnomAD v4.1: 151 of 1,607,444 alleles (0.0094%); highest among the groups gnomAD compares: East Asian, 0.016%; no homozygotes.

Submissions (3):

Labcorp Genetics (formerly Invitae), Labcorp
Classification: Likely benign. Last evaluated: 2025-07-27. Review status: criteria provided, single submitter. Criteria: Invitae Variant Classification Sherloc (09022015). Collection method: clinical testing. Allele origin: germline.

Blueprint Genetics
Classification: Likely benign. Last evaluated: 2024-10-01. Review status: criteria provided, single submitter. Criteria: ACMG Guidelines, 2015. Collection method: clinical testing. Allele origin: germline.

PreventionGenetics, part of Exact Sciences
Classification: Likely benign for NACC1-related condition. Last evaluated: 2019-04-11. Review status: no assertion criteria provided. Collection method: clinical testing. Allele origin: germline. Not counted in ClinVar's aggregate classification.
Comment: This variant is classified as likely benign based on ACMG/AMP sequence variant interpretation guidelines (Richards et al. 2015 PMID: 25741868, with internal and published modifications).